The following is an entry in ClinVar:

ClinVar aggregate classification (germline): Uncertain significance (1 of 4 stars; one submission).

Conditions:
Zellweger spectrum disorders (ZS). Also called: Zellweger Spectrum Disorder; Zellweger Spectrum; Zellweger syndrome; Zellweger Spectrum Disorder (ZSD). Identifiers: Orphanet 912, MedGen C0043459, MONDO:0019609.

Submission:

Labcorp Genetics (formerly Invitae), Labcorp
Classification: Uncertain significance for Zellweger spectrum disorders. Last evaluated: 2022-06-19. Review status: criteria provided, single submitter. Criteria: Invitae Variant Classification Sherloc (09022015). Collection method: clinical testing. Allele origin: germline.
Comment: This variant, c.147_149del, results in the deletion of 1 amino acid(s) of the PEX1 protein (p.Val50del), but otherwise preserves the integrity of the reading frame. This variant is not present in population databases (gnomAD no frequency). This variant has not been reported in the literature in individuals affected with PEX1-related conditions. Experimental studies and prediction algorithms are not available or were not evaluated, and the functional significance of this variant is currently unknown. In summary, the available evidence is currently insufficient to determine the role of this variant in disease. Therefore, it has been classified as a Variant of Uncertain Significance.

NM_000466.3(PEX1):c.147_149del (p.Val50del)

Gene: PEX1 (peroxisomal biogenesis factor 1; minus strand). Cytogenetic location: 7q21.2.
Variant type: Deletion.
Coding change: c.147_149del on transcript NM_000466.3 (MANE Select); coding-DNA positions 147 to 149, 3 bases deleted (GGT; older notation c.147_149delGGT).
Protein change: p.Val50del; deletes valine 50.
Molecular consequence: inframe deletion. On other transcripts: 5 prime UTR variant (1).
Genome position (GRCh38, 1-based): chr7:92,522,226-92,522,228, ACC deleted on the plus strand (GGT on the coding strand, the reverse complement: PEX1 is on the minus strand); deleting any 3 consecutive bases within chr7:92,522,226-92,522,230 gives the same sequence; the c. name uses the placement nearest the transcript's 3' end. VCF-style (leftmost placement, unchanged base first): chr7-92522225-GACC-G. GRCh37 (hg19) VCF-style: chr7-92151539-GACC-G.
Other names: c.147_149del, p.Val50del (NM_001282677.2); c.-513_-511del (NM_001282678.2); short protein forms V50del.
Identifiers: ClinVar variation 1997518 (VCV001997518.1), dbSNP rs1793080067, ClinGen allele CA1725951683.